The following is an entry in ClinVar:

ClinVar aggregate classification (germline): Conflicting classifications of pathogenicity. Review status: criteria provided, conflicting classifications (1 of 4 stars). 2 submissions from 2 submitters: Uncertain significance (1); Likely benign (1). Last evaluated 2025-04-02.

Conditions:
Inborn genetic diseases. Identifiers: MedGen C0950123, MeSH D030342.

Allele frequency attached by ClinVar (database versions not stated): TOPMed 0.00006; gnomAD 0.00008 and 0.00009; gnomAD exomes 0.00011; ExAC 0.00012; 1000 Genomes Project 30x 0.00016; 1000 Genomes Project 0.00020; ESP Exome Variant Server 0.00031.
gnomAD v4.1: 130 of 1,612,046 alleles (0.0081%); highest among the groups gnomAD compares: East Asian, 0.029%; no homozygotes.

Submissions (4):

Ambry Genetics
Classification: Likely benign for Inborn genetic diseases. Last evaluated: 2025-04-02. Review status: criteria provided, single submitter. Criteria: Ambry Variant Classification Scheme 2023. Collection method: clinical testing. Allele origin: germline.

Labcorp Genetics (formerly Invitae), Labcorp
Classification: Uncertain significance. Last evaluated: 2021-09-24. Review status: criteria provided, single submitter. Criteria: Invitae Variant Classification Sherloc (09022015). Collection method: clinical testing. Allele origin: germline.
Comment: This sequence change replaces alanine with valine at codon 646 of the LAMA5 protein (p.Ala646Val). The alanine residue is weakly conserved and there is a small physicochemical difference between alanine and valine. This variant is present in population databases (rs143341174, ExAC 0.09%). This variant has not been reported in the literature in individuals affected with LAMA5-related conditions. Algorithms developed to predict the effect of missense changes on protein structure and function output the following: SIFT: "Tolerated"; PolyPhen-2: "Benign"; Align-GVGD: "Class C0". The valine amino acid residue is found in multiple mammalian species, which suggests that this missense change does not adversely affect protein function. In summary, the available evidence is currently insufficient to determine the role of this variant in disease. Therefore, it has been classified as a Variant of Uncertain Significance.

Dr. Peter K. Rogan Lab, Western University
No classification provided (evidence only). Condition: Clear cell carcinoma of kidney. Review status: no classification provided. Collection method: in vitro. Allele origin: not applicable. Functional consequence: retained intron. Not counted in ClinVar's aggregate classification.

Dr. Peter K. Rogan Lab, Western University
No classification provided (evidence only). Condition: Malignant tumor of esophagus. Review status: no classification provided. Collection method: in vitro. Allele origin: not applicable. Functional consequence: skipped exon. Not counted in ClinVar's aggregate classification.

NM_005560.6(LAMA5):c.1937C>T (p.Ala646Val)

Gene: LAMA5 (laminin subunit alpha 5; minus strand). Cytogenetic location: 20q13.33.
Variant type: single nucleotide variant.
Coding change: c.1937C>T on transcript NM_005560.6 (MANE Select); coding-DNA position 1937, C replaced by T.
Protein change: p.Ala646Val; replaces alanine 646 with valine.
Molecular consequence: missense variant.
Genome position (GRCh38, 1-based): chr20:62,337,893, G>A on the plus strand (C>T on the coding strand, the complement: LAMA5 is on the minus strand). VCF-style: chr20-62337893-G-A. GRCh37 (hg19) VCF-style: chr20-60912949-G-A.
Other names: c.1937C>T (NM_005560.3); short protein forms A646V.
Identifiers: ClinVar variation 1504565 (VCV001504565.7), dbSNP rs143341174, ClinGen allele CA9943703.